The following is an entry in ClinVar:

ClinVar aggregate classification (germline): Uncertain significance (1 of 4 stars; one submission).

Conditions:
Immunodeficiency 14 (IMD14A). Also called: IMMUNODEFICIENCY 14A WITH LYMPHOPROLIFERATION, AUTOSOMAL DOMINANT; Activated PI3K Delta Syndrome Type 1 (APDS1); p110-DELTA-ACTIVATING MUTATION CAUSING SENESCENT T CELLS, LYMPHADENOPATHY, AND IMMUNODEFICIENCY; ACTIVATED PI3K-DELTA SYNDROME 1. Identifiers: Orphanet 397596, Orphanet 693661, MedGen C5907821, MONDO:0014222, OMIM 615513.

Submission:

Labcorp Genetics (formerly Invitae), Labcorp
Classification: Uncertain significance for Activated PI3K-delta syndrome. Last evaluated: 2022-04-13. Review status: criteria provided, single submitter. Criteria: Invitae Variant Classification Sherloc (09022015). Collection method: clinical testing. Allele origin: germline.
Comment: In summary, the available evidence is currently insufficient to determine the role of this variant in disease. Therefore, it has been classified as a Variant of Uncertain Significance. Algorithms developed to predict the effect of missense changes on protein structure and function are either unavailable or do not agree on the potential impact of this missense change (SIFT: "Not Available"; PolyPhen-2: "Benign"; Align-GVGD: "Not Available"). This variant has not been reported in the literature in individuals affected with PIK3CD-related conditions. Information on the frequency of this variant in the gnomAD database is not available, as this variant may be reported differently in the database. This sequence change replaces arginine, which is basic and polar, with leucine, which is neutral and non-polar, at codon 496 of the PIK3CD protein (p.Arg496Leu).

NM_005026.5(PIK3CD):c.1486_1487delinsTT (p.Arg496Leu)

Gene: PIK3CD (phosphatidylinositol-4,5-bisphosphate 3-kinase catalytic subunit delta; plus strand). Cytogenetic location: 1p36.22.
Variant type: Indel.
Coding change: c.1486_1487delinsTT on transcript NM_005026.5 (MANE Select); coding-DNA positions 1486 to 1487, CG replaced by TT.
Protein change: p.Arg496Leu; replaces arginine 496 with leucine.
Molecular consequence: missense variant.
Genome position (GRCh38, 1-based): chr1:9,720,626-9,720,627, CG replaced by TT. VCF-style: chr1-9720626-CG-TT. GRCh37 (hg19) VCF-style: chr1-9780684-CG-TT.
Other names: c.1486_1487delinsTT, p.Arg496Leu (NM_001350234.2); c.1399_1400delinsTT, p.Arg467Leu (NM_001350235.1); short protein forms R467L, R496L.
Identifiers: ClinVar variation 2125956 (VCV002125956.4), dbSNP rs2525023306, ClinGen allele CA2580062583.